The following is an entry in ClinVar:

ClinVar aggregate classification (germline): Conflicting classifications of pathogenicity. Review status: criteria provided, conflicting classifications (1 of 4 stars). 6 submissions from 5 submitters: Uncertain significance (5); Benign (1). Last evaluated 2025-08-11.

Conditions:
Adams-Oliver syndrome 5 (AOS5). Identifiers: Orphanet 974, MedGen C4014970, MONDO:0014459, OMIM 616028.
Familial thoracic aortic aneurysm and aortic dissection (TAAD). Also called: Thoracic aortic aneurysms and dissections. Identifiers: Orphanet 91387, MedGen C4707243, MONDO:0019625.
Aortic valve disease 1 (AOVD1). Identifiers: MedGen C3887892, MONDO:0024523, OMIM 109730.

Allele frequency attached by ClinVar (database versions not stated): ExAC 0.00003; gnomAD exomes 0.00004; gnomAD 0.00005 and 0.00006; TOPMed 0.00006.
gnomAD v4.1: 70 of 1,612,924 alleles (0.0043%); highest among the groups gnomAD compares: Non-Finnish European, 0.0057%; no homozygotes.

Submissions (6):

Labcorp Genetics (formerly Invitae), Labcorp
Classification: Benign for Adams-Oliver syndrome 5. Last evaluated: 2025-08-11. Review status: criteria provided, single submitter. Criteria: Invitae Variant Classification Sherloc (09022015). Collection method: clinical testing. Allele origin: germline.

Blueprint Genetics
Classification: Uncertain significance. Last evaluated: 2024-11-15. Review status: criteria provided, single submitter. Criteria: ACMG Guidelines, 2015. Collection method: clinical testing. Allele origin: germline.

Ambry Genetics
Classification: Uncertain significance for Familial thoracic aortic aneurysm and aortic dissection. Last evaluated: 2023-12-06. Review status: criteria provided, single submitter. Criteria: Ambry Variant Classification Scheme 2023. Collection method: clinical testing. Allele origin: germline.
Comment: The p.P2377L variant (also known as c.7130C>T), located in coding exon 34 of the NOTCH1 gene, results from a C to T substitution at nucleotide position 7130. The proline at codon 2377 is replaced by leucine, an amino acid with similar properties. This alteration has been detected in a control cohort and in a thoracic aortic aneurysm and dissection (TAAD) cohort (Freylikhman O et al. Congenit Heart Dis Jan;9:391-6; Renner S et al. Genet Med, 2019 Aug;21:1832-1841). This amino acid position is well conserved in available vertebrate species. In addition, the in silico prediction for this alteration is inconclusive. Since supporting evidence is limited at this time, the clinical significance of this alteration remains unclear.

Genome-Nilou Lab
Classification: Uncertain significance for Adams-Oliver syndrome 5. Last evaluated: 2022-03-15. Review status: criteria provided, single submitter. Criteria: ACMG Guidelines, 2015. Collection method: clinical testing. Allele origin: germline. Affected: no.

Genome-Nilou Lab
Classification: Uncertain significance for Aortic valve disease 1. Last evaluated: 2022-03-15. Review status: criteria provided, single submitter. Criteria: ACMG Guidelines, 2015. Collection method: clinical testing. Allele origin: germline. Affected: no.

GeneDx
Classification: Uncertain significance. Last evaluated: 2021-07-22. Review status: criteria provided, single submitter. Criteria: GeneDx Variant Classification Process June 2021. Collection method: clinical testing. Allele origin: germline. Affected: yes.
Comment: In silico analysis supports that this missense variant has a deleterious effect on protein structure/function; Reported in ClinVar as a variant of uncertain significance (ClinVar Variant ID# 570718; Landrum et al., 2016); This variant is associated with the following publications: (PMID: 28776427, 24418111)

Literature cited by the submitters: PubMed 24418111 (cited by Ambry Genetics); PubMed 30675029 (cited by Ambry Genetics).

NM_017617.5(NOTCH1):c.7130C>T (p.Pro2377Leu)

Gene: NOTCH1 (notch receptor 1; minus strand). Cytogenetic location: 9q34.3.
Variant type: single nucleotide variant.
Coding change: c.7130C>T on transcript NM_017617.5 (MANE Select); coding-DNA position 7130, C replaced by T.
Protein change: p.Pro2377Leu; replaces proline 2377 with leucine.
Molecular consequence: missense variant.
Genome position (GRCh38, 1-based): chr9:136,496,609, G>A on the plus strand (C>T on the coding strand, the complement: NOTCH1 is on the minus strand). VCF-style: chr9-136496609-G-A. GRCh37 (hg19) VCF-style: chr9-139391061-G-A.
Other names: c.7130C>T, p.Pro2377Leu (LRG_1122t1); short protein forms P2377L.
Identifiers: ClinVar variation 570718 (VCV000570718.15), dbSNP rs761839390, ClinGen allele CA5339746.